The following is an entry in ClinVar:

ClinVar aggregate classification (germline): Benign/Likely benign. Review status: criteria provided, multiple submitters, no conflicts (2 of 4 stars). 8 submissions from 8 submitters: Benign (3); Likely benign (4). 1 of the submissions does not count toward it. Last evaluated 2026-06-01.

Conditions:
SPTAN1-related disorder. Also called: SPTAN1-related condition; SPTAN1-related disorders.
Early-infantile DEE. Also called: Early infantile epileptic encephalopathy; Early infantile epileptic encephalopathy with suppression bursts; Ohtahara syndrome. Identifiers: Orphanet 1934, MedGen C0393706, MONDO:0800491.
Developmental and epileptic encephalopathy, 5 (DEE5). Identifiers: Orphanet 3451, MedGen C3150731, MONDO:0013277, OMIM 613477.

Allele frequency attached by ClinVar (database versions not stated): gnomAD 0.00025 and 0.00046; gnomAD exomes 0.00025 and 0.00059; ExAC 0.00029; TOPMed 0.00044; ESP Exome Variant Server 0.00062.
gnomAD v4.1: 929 of 1,614,048 alleles (0.058%); highest among the groups gnomAD compares: Non-Finnish European, 0.072%; 2 homozygotes.

Submissions (8):

CeGaT Center for Human Genetics Tuebingen
Classification: Likely benign. Last evaluated: 2026-06-01. Review status: criteria provided, single submitter. Criteria: CeGaT Center For Human Genetics Tuebingen Variant Classification Criteria Version 2. Collection method: clinical testing. Allele origin: germline. Affected: yes. Observed: 4 variant alleles.
Comment: SPTAN1: BP4, BP7

Labcorp Genetics (formerly Invitae), Labcorp
Classification: Likely benign for Early-infantile DEE. Last evaluated: 2025-10-01. Review status: criteria provided, single submitter. Criteria: Invitae Variant Classification Sherloc (09022015). Collection method: clinical testing. Allele origin: germline.

Blueprint Genetics
Classification: Likely benign. Last evaluated: 2024-07-10. Review status: criteria provided, single submitter. Criteria: ACMG Guidelines, 2015. Collection method: clinical testing. Allele origin: germline.

Genome-Nilou Lab
Classification: Benign for Developmental and epileptic encephalopathy, 5. Last evaluated: 2021-07-15. Review status: criteria provided, single submitter. Criteria: ACMG Guidelines, 2015. Collection method: clinical testing. Allele origin: germline. Affected: no.

Athena Diagnostics
Classification: Benign. Last evaluated: 2017-11-01. Review status: criteria provided, single submitter. Criteria: Athena Diagnostics Criteria. Collection method: clinical testing. Allele origin: germline.

Genetic Services Laboratory, University of Chicago
Classification: Likely benign. Last evaluated: 2017-07-10. Review status: criteria provided, single submitter. Criteria: ACMG Guidelines, 2015. Collection method: clinical testing. Allele origin: germline. Affected: no.

GeneDx
Classification: Benign. Last evaluated: 2013-01-28. Review status: criteria provided, single submitter. Criteria: GeneDx Variant Classification (06012015). Collection method: clinical testing. Allele origin: germline. Affected: yes.
Comment: This variant is considered likely benign or benign based on one or more of the following criteria: it is a conservative change, it occurs at a poorly conserved position in the protein, it is predicted to be benign by multiple in silico algorithms, and/or has population frequency not consistent with disease.

PreventionGenetics, part of Exact Sciences
Classification: Likely benign for SPTAN1-related condition. Last evaluated: 2019-08-12. Review status: no assertion criteria provided. Collection method: clinical testing. Allele origin: germline. Not counted in ClinVar's aggregate classification.
Comment: This variant is classified as likely benign based on ACMG/AMP sequence variant interpretation guidelines (Richards et al. 2015 PMID: 25741868, with internal and published modifications).

NM_001130438.3(SPTAN1):c.3912C>T (p.Pro1304=)

Gene: SPTAN1 (spectrin alpha, non-erythrocytic 1; plus strand). Cytogenetic location: 9q34.11.
Variant type: single nucleotide variant.
Coding change: c.3912C>T on transcript NM_001130438.3 (MANE Select); coding-DNA position 3912, C replaced by T.
Protein change: p.Pro1304=; no amino-acid change (proline 1304 retained).
Molecular consequence: synonymous variant.
Genome position (GRCh38, 1-based): chr9:128,605,343, C>T. VCF-style: chr9-128605343-C-T. GRCh37 (hg19) VCF-style: chr9-131367622-C-T.
Other names: p.P1304P:CCC>CCT; c.3852C>T, p.Pro1284= (NM_001195532.2, NM_001363765.2); c.3912C>T, p.Pro1304= (NM_001363759.2, NM_003127.4).
Identifiers: ClinVar variation 139287 (VCV000139287.56), dbSNP rs143844598, ClinGen allele CA293729.